The following is an entry in ClinVar:

NM_000512.5(GALNS):c.205T>G (p.Phe69Val)

Gene: GALNS (galactosamine (N-acetyl)-6-sulfatase; minus strand). Cytogenetic location: 16q24.3.
Variant type: single nucleotide variant.
Coding change: c.205T>G on transcript NM_000512.5 (MANE Select); coding-DNA position 205, T replaced by G.
Protein change: p.Phe69Val; replaces phenylalanine 69 with valine.
Molecular consequence: missense variant. On other transcripts: intron variant (1).
Genome position (GRCh38, 1-based): chr16:88,842,745, A>C on the plus strand (T>G on the coding strand, the complement: GALNS is on the minus strand). VCF-style: chr16-88842745-A-C. GRCh37 (hg19) VCF-style: chr16-88909153-A-C.
Other names: c.223T>G, p.Phe75Val (NM_001323544.2); c.-311-774T>G (NM_001323543.2); short protein forms F69V, F75V.
Identifiers: ClinVar variation 710 (VCV000000710.5), dbSNP rs118204445, ClinGen allele CA251572.

ClinVar aggregate classification (germline): Uncertain significance. Review status: criteria provided, single submitter (1 of 4 stars). 2 submissions from 2 submitters: Uncertain significance (1). 1 of the submissions does not count toward it. Last evaluated 2021-02-01.

Conditions:
Mucopolysaccharidosis, MPS-IV-A (MPS4A). Also called: GALACTOSAMINE-6-SULFATASE DEFICIENCY; GALNS DEFICIENCY; MPS IVA; Mucopolysaccharidosis type IV A; Morquio syndrome A, mild; MORQUIO A DISEASE. Identifiers: Orphanet 309297, Orphanet 582, MedGen C0086651, MONDO:0009659, OMIM 253000.

Submissions (2):

Laboratory of Diagnosis and Therapy of Lysosomal Disorders, University of Padova
Classification: Uncertain significance for Mucopolysaccharidosis, MPS-IV-A. Last evaluated: 2021-02-01. Review status: criteria provided, single submitter. Criteria: ACMG Guidelines, 2015. Collection method: curation. Allele origin: germline. Affected: yes.
Comment: Absent from gnomAD v2.1.1 (PM2_moderate); multiple lines of computational evidence support a deleterious effect on the gene (PP3_supporting)

OMIM
Classification: Pathogenic for MUCOPOLYSACCHARIDOSIS, TYPE IVA. Last evaluated: 1997-11-01. Review status: no assertion criteria provided. Collection method: literature only. Allele origin: germline. Not counted in ClinVar's aggregate classification.

Literature cited by the submitters: PubMed 15235041 (cited by Laboratory of Diagnosis and Therapy of Lysosomal Disorders, University of Padova); PubMed 9385378 (cited by Laboratory of Diagnosis and Therapy of Lysosomal Disorders, University of Padova and OMIM); PubMed 34387910 (cited by Laboratory of Diagnosis and Therapy of Lysosomal Disorders, University of Padova).